The following is an entry in ClinVar:

ClinVar aggregate classification (germline): Uncertain significance (1 of 4 stars; one submission).

Conditions:
Peroxisome biogenesis disorder 7A (Zellweger). Also called: Peroxisome biogenesis disorder 7A. Identifiers: Orphanet 912, MedGen C3888385, MONDO:0013938, OMIM 614872.
Peroxisome biogenesis disorder 7B (PBD7B). Identifiers: Orphanet 44, MedGen C3553951, MONDO:0013939, OMIM 614873.

Submission:

Labcorp Genetics (formerly Invitae), Labcorp
Classification: Uncertain significance for Peroxisome biogenesis disorder 7A (Zellweger); Peroxisome biogenesis disorder 7B. Last evaluated: 2022-09-27. Review status: criteria provided, single submitter. Criteria: Invitae Variant Classification Sherloc (09022015). Collection method: clinical testing. Allele origin: germline.
Comment: This sequence change replaces aspartic acid, which is acidic and polar, with asparagine, which is neutral and polar, at codon 241 of the PEX26 protein (p.Asp241Asn). This variant is not present in population databases (gnomAD no frequency). This variant has not been reported in the literature in individuals affected with PEX26-related conditions. Algorithms developed to predict the effect of missense changes on protein structure and function output the following: SIFT: "Tolerated"; PolyPhen-2: "Benign"; Align-GVGD: "Class C0". The asparagine amino acid residue is found in multiple mammalian species, which suggests that this missense change does not adversely affect protein function. In summary, the available evidence is currently insufficient to determine the role of this variant in disease. Therefore, it has been classified as a Variant of Uncertain Significance.

NM_001127649.3(PEX26):c.721G>A (p.Asp241Asn)

Gene: PEX26 (peroxisomal biogenesis factor 26; plus strand). Cytogenetic location: 22q11.21.
Variant type: single nucleotide variant.
Coding change: c.721G>A on transcript NM_001127649.3 (MANE Select); coding-DNA position 721, G replaced by A.
Protein change: p.Asp241Asn; replaces aspartic acid 241 with asparagine.
Molecular consequence: missense variant. On other transcripts: intron variant (1).
Genome position (GRCh38, 1-based): chr22:18,085,165, G>A. VCF-style: chr22-18085165-G-A. GRCh37 (hg19) VCF-style: chr22-18567931-G-A.
Other names: c.721G>A, p.Asp241Asn (NM_017929.6); c.667+1433G>A (NM_001199319.2); short protein forms D241N.
Identifiers: ClinVar variation 2077904 (VCV002077904.1), dbSNP rs2517673358, ClinGen allele CA410268564.